The following is an entry in ClinVar:

NC_000023.10:g.(?_32841392)_(32841524_?)dup

Gene: DMD (dystrophin; minus strand). Cytogenetic location: Xp21.1.
Variant type: Duplication.
Identifiers: ClinVar variation 583921 (VCV000583921.10).

ClinVar aggregate classification (germline): Likely pathogenic (1 of 4 stars; one submission).

Conditions:
Duchenne muscular dystrophy (DMD). Also called: MUSCULAR DYSTROPHY, PSEUDOHYPERTROPHIC PROGRESSIVE, DUCHENNE TYPE; Duchenne Muscular Dystrophy (DMD). Identifiers: Orphanet 98896, MedGen C0013264, MONDO:0010679, OMIM 310200.

Submission:

Labcorp Genetics (formerly Invitae), Labcorp
Classification: Likely pathogenic for Duchenne muscular dystrophy. Last evaluated: 2023-08-10. Review status: criteria provided, single submitter. Criteria: Invitae Variant Classification Sherloc (09022015). Collection method: clinical testing. Allele origin: germline.
Comment: This variant results in a copy number gain of the genomic region encompassing exon(s) 5 of the DMD gene. While the exact position of this variant cannot be determined from the data, sub-genic copy number gains are generally in tandem (PMID: 25640679). This variant is predicted to be in-frame, and likely preserves the integrity of the reading frame. A similar copy number variant has been observed in individuals with Duchenne or Becker muscular dystrophy (PMID: 16770791, 16917894, 17259292). In summary, the currently available evidence indicates that the variant is pathogenic, but additional data are needed to prove that conclusively. Therefore, this variant has been classified as Likely Pathogenic.

Literature cited by the submitters: PubMed 25640679; PubMed 16770791; PubMed 16917894; PubMed 17259292.